The following is an entry in ClinVar:

ClinVar aggregate classification (germline): Uncertain significance (1 of 4 stars; one submission).

Conditions:
Cardiovascular phenotype. Identifiers: MedGen CN230736.
Hereditary cancer-predisposing syndrome. Also called: Tumor predisposition; Hereditary neoplastic syndrome; Neoplastic Syndromes, Hereditary; Hereditary Cancer Syndrome. Identifiers: Orphanet 140162, MedGen C0027672, MeSH D009386, MONDO:0015356.

Submission:

Ambry Genetics
Classification: Uncertain significance for Cardiovascular phenotype; Hereditary cancer-predisposing syndrome. Last evaluated: 2025-04-24. Review status: criteria provided, single submitter. Criteria: Ambry Variant Classification Scheme 2023. Collection method: clinical testing. Allele origin: germline.
Comment: The p.C2041F variant (also known as c.6122G>T), located in coding exon 41 of the NF1 gene, results from a G to T substitution at nucleotide position 6122. The cysteine at codon 2041 is replaced by phenylalanine, an amino acid with highly dissimilar properties. This amino acid position is conserved. In addition, the in silico prediction for this alteration is inconclusive. Based on the available evidence, the clinical significance of this variant remains unclear.

NM_001042492.3(NF1):c.6185G>T (p.Cys2062Phe)

Gene: NF1 (neurofibromin 1; plus strand). Cytogenetic location: 17q11.2.
Variant type: single nucleotide variant.
Coding change: c.6185G>T on transcript NM_001042492.3 (MANE Select); coding-DNA position 6185, G replaced by T.
Protein change: p.Cys2062Phe; replaces cysteine 2062 with phenylalanine.
Molecular consequence: missense variant.
Genome position (GRCh38, 1-based): chr17:31,336,672, G>T. VCF-style: chr17-31336672-G-T. GRCh37 (hg19) VCF-style: chr17-29663690-G-T.
Other names: c.6122G>T, p.Cys2041Phe (NM_000267.4); short protein forms C2062F, C2041F.
Identifiers: ClinVar variation 4024550 (VCV004024550.1).